The following is an entry in ClinVar:

ClinVar aggregate classification (germline): Conflicting classifications of pathogenicity. Review status: criteria provided, conflicting classifications (1 of 4 stars). 3 submissions from 3 submitters: Uncertain significance (2); Likely benign (1). Last evaluated 2025-10-14.

Conditions:
Hereditary cancer-predisposing syndrome. Also called: Neoplastic Syndromes, Hereditary; Hereditary neoplastic syndrome; Tumor predisposition; Hereditary Cancer Syndrome. Identifiers: Orphanet 140162, MedGen C0027672, MeSH D009386, MONDO:0015356.
Rhabdoid tumor predisposition syndrome 2 (RTPS2). Identifiers: Orphanet 231108, Orphanet 69077, MedGen C2750074, MONDO:0013224, OMIM 613325.

Allele frequency attached by ClinVar (database versions not stated): gnomAD exomes below 0.00001 and 0.00001; TOPMed below 0.00001; gnomAD 0.00001.
gnomAD v4.1: 10 of 1,612,602 alleles (0.00062%); highest among the groups gnomAD compares: Non-Finnish European, 0.00068%; no homozygotes.

Submissions (3):

Labcorp Genetics (formerly Invitae), Labcorp
Classification: Uncertain significance for Rhabdoid tumor predisposition syndrome 2. Last evaluated: 2025-10-14. Review status: criteria provided, single submitter. Criteria: Invitae Variant Classification Sherloc (09022015). Collection method: clinical testing. Allele origin: germline.
Comment: This sequence change replaces arginine, which is basic and polar, with glutamine, which is neutral and polar, at codon 1447 of the SMARCA4 protein (p.Arg1447Gln). This variant is present in population databases (no rsID available, gnomAD 0.004%). This variant has not been reported in the literature in individuals affected with SMARCA4-related conditions. ClinVar contains an entry for this variant (Variation ID: 238465). Invitae Evidence Modeling of protein sequence and biophysical properties (such as structural, functional, and spatial information, amino acid conservation, physicochemical variation, residue mobility, and thermodynamic stability) indicates that this missense variant is not expected to disrupt SMARCA4 protein function with a negative predictive value of 95%. In summary, the available evidence is currently insufficient to determine the role of this variant in disease. Therefore, it has been classified as a Variant of Uncertain Significance.

Quest Diagnostics Nichols Institute San Juan Capistrano
Classification: Uncertain significance. Last evaluated: 2024-09-02. Review status: criteria provided, single submitter. Criteria: Quest Diagnostics criteria. Collection method: clinical testing. Allele origin: unknown.
Comment: The SMARCA4 c.4340G>A (p.Arg1447Gln) variant has not been reported in individuals with SMARCA4-related conditions in the published literature. The frequency of this variant in the general population, 0.0000071 (2/279866 chromosomes (Genome Aggregation Database)), is uninformative in the assessment of its pathogenicity. Analysis of this variant using bioinformatics tools for the prediction of the effect of amino acid changes on protein structure and function yielded inconclusive or damaging predictions. Based on the available information, we are unable to determine the clinical significance of this variant.

Ambry Genetics
Classification: Likely benign for Hereditary cancer-predisposing syndrome. Last evaluated: 2023-02-16. Review status: criteria provided, single submitter. Criteria: Ambry Variant Classification Scheme 2023. Collection method: clinical testing. Allele origin: germline.

NM_003072.5(SMARCA4):c.4244G>A (p.Arg1415Gln)

Gene: SMARCA4 (SWI/SNF related BAF chromatin remodeling complex subunit ATPase 4; plus strand). Cytogenetic location: 19p13.2.
Variant type: single nucleotide variant.
Coding change: c.4244G>A on transcript NM_003072.5 (MANE Select); coding-DNA position 4244, G replaced by A.
Protein change: p.Arg1415Gln; replaces arginine 1415 with glutamine.
Molecular consequence: missense variant. On other transcripts: non-coding transcript variant (1).
Genome position (GRCh38, 1-based): chr19:11,041,380, G>A. VCF-style: chr19-11041380-G-A. GRCh37 (hg19) VCF-style: chr19-11152056-G-A.
Other names: c.4244G>A, p.Arg1415Gln (NM_001128844.3); c.4154G>A, p.Arg1385Gln (NM_001128845.2, NM_001128846.2); c.4145G>A, p.Arg1382Gln (NM_001128847.4, NM_001128848.2, NM_001374457.1); c.4340G>A, p.Arg1447Gln (NM_001128849.3, NM_001387283.1); short protein forms R1447Q, R1385Q, R1415Q, R1382Q.
Identifiers: ClinVar variation 238465 (VCV000238465.15), dbSNP rs878854225, ClinGen allele CA10583755.